The following is an entry in ClinVar:

NM_000222.3(KIT):c.1489G>C (p.Val497Leu)

Gene: KIT (KIT proto-oncogene, receptor tyrosine kinase; plus strand). Cytogenetic location: 4q12.
Variant type: single nucleotide variant.
Coding change: c.1489G>C on transcript NM_000222.3 (MANE Select); coding-DNA position 1489, G replaced by C.
Protein change: p.Val497Leu; replaces valine 497 with leucine.
Molecular consequence: missense variant.
Genome position (GRCh38, 1-based): chr4:54,725,999, G>C. VCF-style: chr4-54725999-G-C. GRCh37 (hg19) VCF-style: chr4-55592165-G-C.
Other names: c.1489G>C, p.Val497Leu (NM_001093772.2, NM_001385285.1, NM_001385286.1); c.1492G>C, p.Val498Leu (NM_001385284.1, NM_001385288.1, NM_001385290.1 and 1 more transcripts); short protein forms V497L, V498L.
Identifiers: ClinVar variation 567141 (VCV000567141.9), dbSNP rs1439977705, ClinGen allele CA356906534.

ClinVar aggregate classification (germline): Uncertain significance (1 of 4 stars; one submission).

Conditions:
Gastrointestinal stromal tumor. Also called: Gastrointestinal stromal tumor, somatic; Gastrointestinal stroma tumor. Identifiers: Orphanet 44890, MedGen C0238198, MeSH D046152, MONDO:0011719, OMIM 606764, HP:0100723.

Allele frequency attached by ClinVar (database versions not stated): gnomAD exomes below 0.00001.
gnomAD v4.1: 1 of 1,614,152 alleles (0.000062%); highest among the groups gnomAD compares: South Asian, 0.0011%; no homozygotes.

Submission:

Labcorp Genetics (formerly Invitae), Labcorp
Classification: Uncertain significance for Gastrointestinal stromal tumor. Last evaluated: 2018-03-17. Review status: criteria provided, single submitter. Criteria: Invitae Variant Classification Sherloc (09022015). Collection method: clinical testing. Allele origin: germline.
Comment: This sequence change replaces valine with leucine at codon 497 of the KIT protein (p.Val497Leu). The valine residue is highly conserved and there is a small physicochemical difference between valine and leucine. This variant is not present in population databases (ExAC no frequency). This variant has not been reported in the literature in individuals with KIT-related disease. Algorithms developed to predict the effect of missense changes on protein structure and function (SIFT, PolyPhen-2, Align-GVGD) all suggest that this variant is likely to be tolerated, but these predictions have not been confirmed by published functional studies and their clinical significance is uncertain. In summary, the available evidence is currently insufficient to determine the role of this variant in disease. Therefore, it has been classified as a Variant of Uncertain Significance.